The following is an entry in ClinVar:

ClinVar aggregate classification (germline): Benign/Likely benign. Review status: criteria provided, multiple submitters, no conflicts (2 of 4 stars). 3 submissions from 3 submitters: Benign (2); Likely benign (1). Last evaluated 2026-05-01.

Conditions:
Inborn genetic diseases. Identifiers: MedGen C0950123, MeSH D030342.

Submissions (3):

CeGaT Center for Human Genetics Tuebingen
Classification: Likely benign. Last evaluated: 2026-05-01. Review status: criteria provided, single submitter. Criteria: CeGaT Center For Human Genetics Tuebingen Variant Classification Criteria Version 2. Collection method: clinical testing. Allele origin: germline. Affected: yes. Observed: 6 variant alleles.
Comment: RERE: PM4, BS1, BS2

Labcorp Genetics (formerly Invitae), Labcorp
Classification: Benign. Last evaluated: 2025-12-09. Review status: criteria provided, single submitter. Criteria: Invitae Variant Classification Sherloc (09022015). Collection method: clinical testing. Allele origin: germline.

Ambry Genetics
Classification: Benign for Inborn genetic diseases. Last evaluated: 2021-04-03. Review status: criteria provided, single submitter. Criteria: Ambry Variant Classification Scheme 2023. Collection method: clinical testing. Allele origin: germline.

NM_001042681.2(RERE):c.3925ATCCGAGAGCGGGAG[1] (p.1309IRERE[1])

Gene: RERE (arginine-glutamic acid dipeptide repeats; minus strand). Cytogenetic location: 1p36.23.
Variant type: Microsatellite.
Coding change: c.3925ATCCGAGAGCGGGAG[1] on transcript NM_001042681.2 (MANE Select); one copy of the 15-base unit ATCCGAGAGCGGGAG starting at c.3925; the reference has two copies in a row; one copy, 15 bases deleted.
Protein change: p.1309IRERE[1].
Molecular consequence: inframe deletion.
Genome position (GRCh38, 1-based): chr1:8,358,581-8,358,595, CTCCCGCTCTCGGAT deleted on the plus strand (ATCCGAGAGCGGGAG on the coding strand, the reverse complement: RERE is on the minus strand); deleting any 15 consecutive bases within chr1:8,358,581-8,358,619 gives the same sequence; the position shown is the placement nearest the transcript's 3' end. VCF-style (leftmost placement, unchanged base first): chr1-8358580-GCTCCCGCTCTCGGAT-G. GRCh37 (hg19) VCF-style: chr1-8418640-GCTCCCGCTCTCGGAT-G.
Other names: c.2263ATCCGAGAGCGGGAG[1], p.755IRERE[1] (NM_001042682.2); c.3925ATCCGAGAGCGGGAG[1], p.1309IRERE[1] (NM_012102.4); c.3940_3954del15 (NM_012102.3).
Identifiers: ClinVar variation 1543165 (VCV001543165.31), dbSNP rs776543471, ClinGen allele CA570933.